The following is an entry in ClinVar:

NM_001164508.2(NEB):c.3700A>C (p.Thr1234Pro)

Gene: NEB (nebulin; minus strand). Cytogenetic location: 2q23.3.
Variant type: single nucleotide variant.
Coding change: c.3700A>C on transcript NM_001164508.2 (MANE Select); coding-DNA position 3700, A replaced by C.
Protein change: p.Thr1234Pro; replaces threonine 1234 with proline.
Molecular consequence: missense variant.
Genome position (GRCh38, 1-based): chr2:151,677,639, T>G on the plus strand (A>C on the coding strand, the complement: NEB is on the minus strand). VCF-style: chr2-151677639-T-G. GRCh37 (hg19) VCF-style: chr2-152534153-T-G.
Other names: c.3700A>C, p.Thr1234Pro (NM_001164507.2, NM_001271208.2, NM_004543.5); short protein forms T1234P.
Identifiers: ClinVar variation 4975928 (VCV004975928.1).

ClinVar aggregate classification (germline): Uncertain significance (1 of 4 stars; one submission).

gnomAD v4.1: 6 of 1,613,816 alleles (0.00037%); highest among the groups gnomAD compares: Non-Finnish European, 0.00051%; no homozygotes.

Submission:

GeneDx
Classification: Uncertain significance. Last evaluated: 2026-02-07. Review status: criteria provided, single submitter. Criteria: GeneDx Variant Classification Process June 2021. Collection method: clinical testing. Allele origin: germline.
Comment: Not observed at significant frequency in large population cohorts (gnomAD); In silico analysis supports that this missense variant has a deleterious effect on protein structure/function; Has not been previously published as pathogenic or benign to our knowledge